The following is an entry in ClinVar:

NM_013447.4(ADGRE2):c.1435A>T (p.Lys479Ter)

Gene: ADGRE2 (adhesion G protein-coupled receptor E2; minus strand). Cytogenetic location: 19p13.12.
Variant type: single nucleotide variant.
Coding change: c.1435A>T on transcript NM_013447.4 (MANE Select); coding-DNA position 1435, A replaced by T.
Protein change: p.Lys479Ter; replaces lysine 479 with a stop codon.
Molecular consequence: nonsense. On other transcripts: intron variant (1).
Genome position (GRCh38, 1-based): chr19:14,755,109, T>A on the plus strand (A>T on the coding strand, the complement: ADGRE2 is on the minus strand). VCF-style: chr19-14755109-T-A. GRCh37 (hg19) VCF-style: chr19-14865921-T-A.
Other names: c.1288A>T, p.Lys430Ter (NM_152916.2); c.1156A>T, p.Lys386Ter (NM_152917.2); c.1416+545A>T (NM_001271052.1); short protein forms K386*, K479*, K430*.
Identifiers: ClinVar variation 1986238 (VCV001986238.4), dbSNP rs112007450, ClinGen allele CA9257699.

ClinVar aggregate classification (germline): Uncertain significance (1 of 4 stars; one submission).

Allele frequency attached by ClinVar (database versions not stated): gnomAD 0.00001; TOPMed 0.00001; ExAC 0.00002; gnomAD exomes 0.00003; 1000 Genomes Project 30x 0.00016.
gnomAD v4.1: 52 of 1,613,914 alleles (0.0032%); highest among the groups gnomAD compares: Middle Eastern, 0.017%; no homozygotes.

Submission:

Labcorp Genetics (formerly Invitae), Labcorp
Classification: Uncertain significance. Last evaluated: 2026-01-19. Review status: criteria provided, single submitter. Criteria: Invitae Variant Classification Sherloc (09022015). Collection method: clinical testing. Allele origin: germline.
Comment: This sequence change creates a premature translational stop signal (p.Lys479*) in the ADGRE2 gene. It is expected to result in an absent or disrupted protein product. However, the current clinical and genetic evidence is not sufficient to establish whether loss-of-function variants in ADGRE2 cause disease. This variant is present in population databases (rs112007450, gnomAD 0.003%). This variant has not been reported in the literature in individuals affected with ADGRE2-related conditions. ClinVar contains an entry for this variant (Variation ID: 1986238). Algorithms developed to predict the effect of sequence changes on RNA splicing suggest that this variant may disrupt the consensus splice site. In summary, the available evidence is currently insufficient to determine the role of this variant in disease. Therefore, it has been classified as a Variant of Uncertain Significance.